The following is an entry in ClinVar:

NM_014845.6(FIG4):c.1187C>T (p.Ala396Val)

Gene: FIG4 (FIG4 phosphoinositide 5-phosphatase; plus strand). Cytogenetic location: 6q21.
Variant type: single nucleotide variant.
Coding change: c.1187C>T on transcript NM_014845.6 (MANE Select); coding-DNA position 1187, C replaced by T.
Protein change: p.Ala396Val; replaces alanine 396 with valine.
Molecular consequence: missense variant.
Genome position (GRCh38, 1-based): chr6:109,760,299, C>T. VCF-style: chr6-109760299-C-T. GRCh37 (hg19) VCF-style: chr6-110081502-C-T.
Other names: short protein forms A396V.
Identifiers: ClinVar variation 665726 (VCV000665726.14), dbSNP rs758599286, ClinGen allele CA3956009.
Genomic context (GRCh38, chr6:109,760,299, plus strand): 5'-TTTTGATAAAGGAACGAGAGAAAAGAAAGCATGAAAGAATTCTGAGTGAAGAACTTGTTG[C>T]TGCTGTGACCTATCTCAACCAATTTTTGCCTCCTGAGCACACTATTGTTTATATTCCCTG-3'
Protein context (NP_055660.1, residues 386-406): HERILSEELV[Ala396Val]AVTYLNQFLP

ClinVar aggregate classification (germline): Uncertain significance. Review status: criteria provided, multiple submitters, no conflicts (2 of 4 stars). 4 submissions from 4 submitters: Uncertain significance (4). Last evaluated 2024-11-15.

Conditions:
Inborn genetic diseases. Identifiers: MedGen C0950123, MeSH D030342.
Charcot-Marie-Tooth disease type 4. Also called: Charcot-Marie-Tooth, Type 4; Charcot-Marie-Tooth disease, type IV. Identifiers: Orphanet 64749, MedGen C4082197, MONDO:0018995.

Allele frequency attached by ClinVar (database versions not stated): TOPMed 0.00002.
gnomAD v4.1: 21 of 1,613,090 alleles (0.0013%); highest among the groups gnomAD compares: South Asian, 0.0033%; no homozygotes.

Submissions (4):

Ambry Genetics
Classification: Uncertain significance for Inborn genetic diseases. Last evaluated: 2024-11-15. Review status: criteria provided, single submitter. Criteria: Ambry Variant Classification Scheme 2023. Collection method: clinical testing. Allele origin: germline.

GeneDx
Classification: Uncertain significance. Last evaluated: 2022-12-07. Review status: criteria provided, single submitter. Criteria: GeneDx Variant Classification Process June 2021. Collection method: clinical testing. Allele origin: germline. Affected: yes.
Comment: Not observed at significant frequency in large population cohorts (gnomAD); In silico analysis supports that this missense variant does not alter protein structure/function; Has not been previously published as pathogenic or benign to our knowledge; This variant is associated with the following publications: (PMID: 24598713)

Labcorp Genetics (formerly Invitae), Labcorp
Classification: Uncertain significance for Charcot-Marie-Tooth disease type 4. Last evaluated: 2021-08-31. Review status: criteria provided, single submitter. Criteria: Invitae Variant Classification Sherloc (09022015). Collection method: clinical testing. Allele origin: germline.
Comment: This sequence change replaces alanine with valine at codon 396 of the FIG4 protein (p.Ala396Val). The alanine residue is moderately conserved and there is a small physicochemical difference between alanine and valine. This variant is present in population databases (rs758599286, ExAC 0.02%). This variant has not been reported in the literature in individuals affected with FIG4-related conditions. Algorithms developed to predict the effect of missense changes on protein structure and function (SIFT, PolyPhen-2, Align-GVGD) all suggest that this variant is likely to be tolerated. In summary, the available evidence is currently insufficient to determine the role of this variant in disease. Therefore, it has been classified as a Variant of Uncertain Significance.

Mayo Clinic Laboratories, Mayo Clinic
Classification: Uncertain significance. Last evaluated: 2020-02-27. Review status: criteria provided, single submitter. Criteria: ACMG Guidelines, 2015. Collection method: clinical testing. Allele origin: germline. Observed: 1 variant allele.